The following is an entry in ClinVar:

ClinVar aggregate classification (germline): Conflicting classifications of pathogenicity. Review status: criteria provided, conflicting classifications (1 of 4 stars). 2 submissions from 2 submitters: Uncertain significance (1); Likely benign (1). Last evaluated 2024-10-28.

Allele frequency attached by ClinVar (database versions not stated): ExAC 0.00001; gnomAD exomes 0.00005 and 0.00015; gnomAD 0.00006 and 0.00008; TOPMed 0.00007; ESP Exome Variant Server 0.00015.
gnomAD v4.1: 224 of 1,612,476 alleles (0.014%); highest among the groups gnomAD compares: Non-Finnish European, 0.018%; no homozygotes.

Submissions (2):

Blueprint Genetics
Classification: Likely benign. Last evaluated: 2024-10-28. Review status: criteria provided, single submitter. Criteria: ACMG Guidelines, 2015. Collection method: clinical testing. Allele origin: germline.

Labcorp Genetics (formerly Invitae), Labcorp
Classification: Uncertain significance. Last evaluated: 2022-03-10. Review status: criteria provided, single submitter. Criteria: Invitae Variant Classification Sherloc (09022015). Collection method: clinical testing. Allele origin: germline.
Comment: This sequence change falls in intron 9 of the CEP250 gene. It does not directly change the encoded amino acid sequence of the CEP250 protein. It affects a nucleotide within the consensus splice site. This variant is present in population databases (rs376343130, gnomAD 0.01%). This variant has not been reported in the literature in individuals affected with CEP250-related conditions. ClinVar contains an entry for this variant (Variation ID: 1054195). Variants that disrupt the consensus splice site are a relatively common cause of aberrant splicing (PMID: 17576681, 9536098). Algorithms developed to predict the effect of sequence changes on RNA splicing suggest that this variant is not likely to affect RNA splicing. In summary, the available evidence is currently insufficient to determine the role of this variant in disease. Therefore, it has been classified as a Variant of Uncertain Significance.

Literature cited by the submitters: PubMed 17576681 (cited by Labcorp Genetics (formerly Invitae), Labcorp); PubMed 9536098 (cited by Labcorp Genetics (formerly Invitae), Labcorp).

NM_007186.6(CEP250):c.851+6A>G

Gene: CEP250 (centrosomal protein 250; plus strand). Cytogenetic location: 20q11.22.
Variant type: single nucleotide variant.
Coding change: c.851+6A>G on transcript NM_007186.6 (MANE Select); 6 bases into the intron after coding-DNA position 851, A replaced by G.
Molecular consequence: intron variant.
Genome position (GRCh38, 1-based): chr20:35,467,561, A>G. VCF-style: chr20-35467561-A-G. GRCh37 (hg19) VCF-style: chr20-34055386-A-G.
Other names: c.-1049+6A>G (NM_001318219.1).
Identifiers: ClinVar variation 1054195 (VCV001054195.5), dbSNP rs376343130, ClinGen allele CA9832717.